The following is an entry in ClinVar:

NM_000051.4(ATM):c.4172C>G (p.Ala1391Gly)

Gene: ATM (ATM serine/threonine kinase; plus strand). Cytogenetic location: 11q22.3.
Variant type: single nucleotide variant.
Coding change: c.4172C>G on transcript NM_000051.4 (MANE Select); coding-DNA position 4172, C replaced by G.
Protein change: p.Ala1391Gly; replaces alanine 1391 with glycine.
Molecular consequence: missense variant.
Genome position (GRCh38, 1-based): chr11:108,289,039, C>G. VCF-style: chr11-108289039-C-G. GRCh37 (hg19) VCF-style: chr11-108159766-C-G.
Other names: c.4172C>G, p.Ala1391Gly (NM_001351834.2); short protein forms A1391G.
Identifiers: ClinVar variation 2453973 (VCV002453973.2), dbSNP rs1591660560, ClinGen allele CA382530174.

ClinVar aggregate classification (germline): Uncertain significance (1 of 4 stars; one submission).

Conditions:
Hereditary cancer-predisposing syndrome. Also called: Neoplastic Syndromes, Hereditary; Hereditary neoplastic syndrome; Tumor predisposition; Hereditary Cancer Syndrome. Identifiers: Orphanet 140162, MedGen C0027672, MeSH D009386, MONDO:0015356.

Submission:

Ambry Genetics
Classification: Uncertain significance for Hereditary cancer-predisposing syndrome. Last evaluated: 2023-02-04. Review status: criteria provided, single submitter. Criteria: Ambry Variant Classification Scheme 2023. Collection method: clinical testing. Allele origin: germline.
Comment: The p.A1391G variant (also known as c.4172C>G), located in coding exon 27 of the ATM gene, results from a C to G substitution at nucleotide position 4172. The alanine at codon 1391 is replaced by glycine, an amino acid with similar properties. This amino acid position is conserved. In addition, this alteration is predicted to be tolerated by in silico analysis. Since supporting evidence is limited at this time, the clinical significance of this alteration remains unclear.